The following is an entry in ClinVar:

NM_001003800.2(BICD2):c.100_101delinsAT (p.Ala34Ile)

Gene: BICD2 (BICD cargo adaptor 2; minus strand). Cytogenetic location: 9q22.31.
Variant type: Indel.
Coding change: c.100_101delinsAT on transcript NM_001003800.2 (MANE Select); coding-DNA positions 100 to 101, GC replaced by AT.
Protein change: p.Ala34Ile; replaces alanine 34 with isoleucine.
Molecular consequence: missense variant.
Genome position (GRCh38, 1-based): chr9:92,764,644-92,764,645, GC replaced by AT on the plus strand (GC replaced by AT on the coding strand, the reverse complement: BICD2 is on the minus strand). VCF-style: chr9-92764644-GC-AT. GRCh37 (hg19) VCF-style: chr9-95526926-GC-AT.
Other names: c.100_101delinsAT, p.Ala34Ile (NM_015250.4); short protein forms A34I.
Identifiers: ClinVar variation 3653817 (VCV003653817.2).
Genomic context (GRCh38, chr9:92,764,644, plus strand): 5'-TTCTCCTCGAGCACCGCCAGCCCGTACTCGGCCGCCTGGATCTTCTCACGCGTGGTCTCG[GC>AT]CAGCTCGTGGGACAGCCGCTTCACCTCGGCGCGCAGCCACTCCGGCTGCGCCTCCATCAC-3'
Protein context (NP_001003800.1, residues 24-44): AEVKRLSHEL[Ala34Ile]ETTREKIQAA

ClinVar aggregate classification (germline): Uncertain significance (1 of 4 stars; one submission).

Conditions:
Autosomal dominant childhood-onset proximal spinal muscular atrophy with contractures (SMALED2A). Also called: Spinal muscular atrophy, lower extremity-predominant, 2A, autosomal dominant; SPINAL MUSCULAR ATROPHY, LOWER EXTREMITY-PREDOMINANT, 2A, CHILDHOOD ONSET, AUTOSOMAL DOMINANT. Identifiers: Orphanet 363447, Orphanet 363454, MedGen C4747715, MONDO:0014121, OMIM 615290.

Submission:

Labcorp Genetics (formerly Invitae), Labcorp
Classification: Uncertain significance for Autosomal dominant childhood-onset proximal spinal muscular atrophy with contractures. Last evaluated: 2024-05-20. Review status: criteria provided, single submitter. Criteria: Invitae Variant Classification Sherloc (09022015). Collection method: clinical testing. Allele origin: germline.
Comment: This sequence change replaces alanine, which is neutral and non-polar, with isoleucine, which is neutral and non-polar, at codon 34 of the BICD2 protein (p.Ala34Ile). Information on the frequency of this variant in the gnomAD database is not available, as this variant may be reported differently in the database. This variant has not been reported in the literature in individuals affected with BICD2-related conditions. An algorithm developed to predict the effect of missense changes on protein structure and function (PolyPhen-2) suggests that this variant is likely to be tolerated. In summary, the available evidence is currently insufficient to determine the role of this variant in disease. Therefore, it has been classified as a Variant of Uncertain Significance.